The following is an entry in ClinVar:

NM_007118.4(TRIO):c.3028G>A (p.Val1010Ile)

Gene: TRIO (trio Rho guanine nucleotide exchange factor; plus strand). Cytogenetic location: 5p15.2.
Variant type: single nucleotide variant.
Coding change: c.3028G>A on transcript NM_007118.4 (MANE Select); coding-DNA position 3028, G replaced by A.
Protein change: p.Val1010Ile; replaces valine 1010 with isoleucine.
Molecular consequence: missense variant. On other transcripts: non-coding transcript variant (1).
Genome position (GRCh38, 1-based): chr5:14,368,861, G>A. VCF-style: chr5-14368861-G-A. GRCh37 (hg19) VCF-style: chr5-14368970-G-A.
Other names: c.3028G>A (NM_007118.3); short protein forms V1010I.
Identifiers: ClinVar variation 2437304 (VCV002437304.5), dbSNP rs1050603011, ClinGen allele CA113977024.
Genomic context (GRCh38, chr5:14,368,861, plus strand): 5'-GAGAAGGTGGCGTCTCACTGGCAACAGCTCATGCTCAAGATGGAAGATCGCCTCAAGCTC[G>A]TCAACGCCTCTGTCGCTTTCTACAAAACCTCAGAGCAGGTCAGGGGAGAGGTTCCCTTCC-3'
Protein context (NP_009049.2, residues 1000-1020): MLKMEDRLKL[Val1010Ile]NASVAFYKTS

ClinVar aggregate classification (germline): Uncertain significance. Review status: criteria provided, single submitter (1 of 4 stars). 2 submissions from 2 submitters: Uncertain significance (1). 1 of the submissions does not count toward it. Last evaluated 2022-10-24.

Conditions:
TRIO-related disorder. Also called: TRIO-related condition; TRIO-related disorders.

Allele frequency attached by ClinVar (database versions not stated): gnomAD 0.00001; gnomAD exomes 0.00001; TOPMed 0.00003.
gnomAD v4.1: 11 of 1,614,038 alleles (0.00068%); highest among the groups gnomAD compares: African/African-American, 0.0027%; no homozygotes.

Submissions (2):

Revvity Omics, Revvity
Classification: Uncertain significance. Last evaluated: 2022-10-24. Review status: criteria provided, single submitter. Criteria: ACMG Guidelines, 2015. Collection method: clinical testing. Allele origin: germline.

PreventionGenetics, part of Exact Sciences
Classification: Uncertain significance for TRIO-related condition. Last evaluated: 2024-03-12. Review status: no assertion criteria provided. Collection method: clinical testing. Allele origin: germline. Not counted in ClinVar's aggregate classification.
Comment: The TRIO c.3028G>A variant is predicted to result in the amino acid substitution p.Val1010Ile. To our knowledge, this variant has not been reported in the literature. This variant is reported in 0.0080% of alleles in individuals of African descent in gnomAD. At this time, the clinical significance of this variant is uncertain due to the absence of conclusive functional and genetic evidence.